The following is an entry in ClinVar:

NM_032447.5(FBN3):c.1060C>T (p.Pro354Ser)

Gene: FBN3 (fibrillin 3; minus strand). Cytogenetic location: 19p13.2.
Variant type: single nucleotide variant.
Coding change: c.1060C>T on transcript NM_032447.5 (MANE Select); coding-DNA position 1060, C replaced by T.
Protein change: p.Pro354Ser; replaces proline 354 with serine.
Molecular consequence: missense variant.
Genome position (GRCh38, 1-based): chr19:8,138,282, G>A on the plus strand (C>T on the coding strand, the complement: FBN3 is on the minus strand). VCF-style: chr19-8138282-G-A. GRCh37 (hg19) VCF-style: chr19-8203166-G-A.
Other names: c.1060C>T, p.Pro354Ser (NM_001321431.2); short protein forms P354S.
Identifiers: ClinVar variation 4696725 (VCV004696725.1).
Genomic context (GRCh38, chr19:8,138,282, plus strand): 5'-GGGGACCCATGCCATTGGATCCGAAGCCCAGGAGGCCAGGGAAGAGGCCAGGGTGGCCGG[G>A]TAGCAGCGGCAGCCGCTGGGCGCACAGTTGCTGGAATTCATCTGCAAGGAAGCAGGGTTG-3'
Protein context (NP_115823.3, residues 344-364): QLCAQRLPLL[Pro354Ser]GHPGLFPGLL

ClinVar aggregate classification (germline): Uncertain significance (1 of 4 stars; one submission).

gnomAD v4.1: 10 of 1,612,952 alleles (0.00062%); highest among the groups gnomAD compares: African/African-American, 0.0093%; no homozygotes.

Submission:

Labcorp Genetics (formerly Invitae), Labcorp
Classification: Uncertain significance. Last evaluated: 2025-06-24. Review status: criteria provided, single submitter. Criteria: Invitae Variant Classification Sherloc (09022015). Collection method: clinical testing. Allele origin: germline.
Comment: This sequence change replaces proline, which is neutral and non-polar, with serine, which is neutral and polar, at codon 354 of the FBN3 protein (p.Pro354Ser). This variant is present in population databases (rs146319066, gnomAD 0.01%). This variant has not been reported in the literature in individuals affected with FBN3-related conditions. Invitae Evidence Modeling of protein sequence and biophysical properties (such as structural, functional, and spatial information, amino acid conservation, physicochemical variation, residue mobility, and thermodynamic stability) indicates that this missense variant is not expected to disrupt FBN3 protein function with a negative predictive value of 80%. In summary, the available evidence is currently insufficient to determine the role of this variant in disease. Therefore, it has been classified as a Variant of Uncertain Significance.